The following is an entry in ClinVar:

NM_004006.3(DMD):c.4880A>G (p.His1627Arg)

Gene: DMD (dystrophin; minus strand). Cytogenetic location: Xp21.1.
Variant type: single nucleotide variant.
Coding change: c.4880A>G on transcript NM_004006.3 (MANE Select); coding-DNA position 4880, A replaced by G.
Protein change: p.His1627Arg; replaces histidine 1627 with arginine.
Molecular consequence: missense variant.
Genome position (GRCh38, 1-based): chrX:32,365,165, T>C on the plus strand (A>G on the coding strand, the complement: DMD is on the minus strand). VCF-style: chrX-32365165-T-C. GRCh37 (hg19) VCF-style: chrX-32383282-T-C.
Other names: c.4856A>G, p.His1619Arg (NM_000109.4); c.4868A>G, p.His1623Arg (NM_004009.3); c.4511A>G, p.His1504Arg (NM_004010.3); c.857A>G, p.His286Arg (NM_004011.4); c.848A>G, p.His283Arg (NM_004012.4); short protein forms H1627R, H283R, H1504R, H1623R, H1619R, H286R.
Identifiers: ClinVar variation 4778452 (VCV004778452.1).
Genomic context (GRCh38, chrX:32,365,165, plus strand): 5'-GTCTCCTTCTTGCCCAAAACTGTTTTCAAGGCCTCTCCTACCTCTGTGATACTCTTCAGG[T>C]GCACCTTCTGTTTCTCAATCTCTTTTTGAGTAGCCTGTGAAAAGGAGAGCATTGACCTTC-3'
Protein context (NP_003997.2, residues 1617-1637): TQKEIEKQKV[His1627Arg]LKSITEVGEA

ClinVar aggregate classification (germline): Uncertain significance (1 of 4 stars; one submission).

Conditions:
Duchenne muscular dystrophy (DMD). Also called: MUSCULAR DYSTROPHY, PSEUDOHYPERTROPHIC PROGRESSIVE, DUCHENNE TYPE; Duchenne Muscular Dystrophy (DMD). Identifiers: Orphanet 98896, MedGen C0013264, MONDO:0010679, OMIM 310200.

gnomAD v4.1: 1 of 1,211,186 alleles (0.000083%); no homozygotes.

Submission:

Labcorp Genetics (formerly Invitae), Labcorp
Classification: Uncertain significance for Duchenne muscular dystrophy. Last evaluated: 2025-07-20. Review status: criteria provided, single submitter. Criteria: Invitae Variant Classification Sherloc (09022015). Collection method: clinical testing. Allele origin: germline.
Comment: This sequence change replaces histidine, which is basic and polar, with arginine, which is basic and polar, at codon 1627 of the DMD protein (p.His1627Arg). This variant is not present in population databases (gnomAD no frequency). This variant has not been reported in the literature in individuals affected with DMD-related conditions. Invitae Evidence Modeling of protein sequence and biophysical properties (such as structural, functional, and spatial information, amino acid conservation, physicochemical variation, residue mobility, and thermodynamic stability) indicates that this missense variant is not expected to disrupt DMD protein function with a negative predictive value of 95%. In summary, the available evidence is currently insufficient to determine the role of this variant in disease. Therefore, it has been classified as a Variant of Uncertain Significance.